The following is an entry in ClinVar:

ClinVar aggregate classification (germline): Uncertain significance (1 of 4 stars; one submission).

Conditions:
Atrial fibrillation, familial, 7 (ATFB7). Identifiers: MedGen C2677106, MONDO:0012828, OMIM 612240.

Submission:

Labcorp Genetics (formerly Invitae), Labcorp
Classification: Uncertain significance for Atrial fibrillation, familial, 7. Last evaluated: 2020-02-05. Review status: criteria provided, single submitter. Criteria: Invitae Variant Classification Sherloc (09022015). Collection method: clinical testing. Allele origin: germline.
Comment: This variant has not been reported in the literature in individuals with KCNA5-related conditions. This variant is not present in population databases (ExAC no frequency). This sequence change replaces glutamine with proline at codon 379 of the KCNA5 protein (p.Gln379Pro). The glutamine residue is moderately conserved and there is a moderate physicochemical difference between glutamine and proline. In summary, the available evidence is currently insufficient to determine the role of this variant in disease. Therefore, it has been classified as a Variant of Uncertain Significance. Algorithms developed to predict the effect of missense changes on protein structure and function output the following: SIFT: "Tolerated"; PolyPhen-2: "Benign"; Align-GVGD: "Class C0". The proline amino acid residue is found in multiple mammalian species, suggesting that this missense change does not adversely affect protein function. These predictions have not been confirmed by published functional studies and their clinical significance is uncertain.

NM_002234.4(KCNA5):c.1136A>C (p.Gln379Pro)

Gene: KCNA5 (potassium voltage-gated channel subfamily A member 5; plus strand). Cytogenetic location: 12p13.32.
Variant type: single nucleotide variant.
Coding change: c.1136A>C on transcript NM_002234.4 (MANE Select); coding-DNA position 1136, A replaced by C.
Protein change: p.Gln379Pro; replaces glutamine 379 with proline.
Molecular consequence: missense variant.
Genome position (GRCh38, 1-based): chr12:5,045,283, A>C. VCF-style: chr12-5045283-A-C. GRCh37 (hg19) VCF-style: chr12-5154449-A-C.
Other names: short protein forms Q379P.
Identifiers: ClinVar variation 1051710 (VCV001051710.9), dbSNP rs2137773101, ClinGen allele CA383465853.